The following is an entry in ClinVar:

NM_000051.4(ATM):c.3337T>A (p.Leu1113Met)

Gene: ATM (ATM serine/threonine kinase; plus strand). Cytogenetic location: 11q22.3.
Variant type: single nucleotide variant.
Coding change: c.3337T>A on transcript NM_000051.4 (MANE Select); coding-DNA position 3337, T replaced by A.
Protein change: p.Leu1113Met; replaces leucine 1113 with methionine.
Molecular consequence: missense variant.
Genome position (GRCh38, 1-based): chr11:108,279,543, T>A. VCF-style: chr11-108279543-T-A. GRCh37 (hg19) VCF-style: chr11-108150270-T-A.
Other names: c.3337T>A, p.Leu1113Met (NM_001351834.2); short protein forms L1113M.
Identifiers: ClinVar variation 655317 (VCV000655317.11), dbSNP rs1022672642, ClinGen allele CA228363509.
Genomic context (GRCh38, chr11:108,279,543, plus strand): 5'-GTTTTAAGATTGTTCCAGGACACGAAGGGAGATTCTTCCAGGTTACTGAAAGCACTTCCT[T>A]TGAAGCTTCAGCAAACAGCTTTTGAAAATGCATACTTGAAAGCTCAGGAAGGAATGAGAG-3'
Protein context (NP_000042.3, residues 1103-1123): DSSRLLKALP[Leu1113Met]KLQQTAFENA

ClinVar aggregate classification (germline): Uncertain significance. Review status: criteria provided, multiple submitters, no conflicts (2 of 4 stars). 4 submissions from 4 submitters: Uncertain significance (4). Last evaluated 2024-03-06.

Conditions:
Ataxia-telangiectasia syndrome (AT). Also called: ATAXIA-TELANGIECTASIA, FRESNO VARIANT; Ataxia-telangiectasia, complementation group D; Cerebello-oculocutaneous telangiectasia; Immunodeficiency with ataxia telangiectasia; Ataxia-telangiectasia; Ataxia telangiectasia (A-T). Identifiers: Orphanet 100, MedGen C0004135, MONDO:0008840, OMIM 208900.
Hereditary cancer-predisposing syndrome. Also called: Neoplastic Syndromes, Hereditary; Hereditary neoplastic syndrome; Hereditary Cancer Syndrome; Tumor predisposition. Identifiers: Orphanet 140162, MedGen C0027672, MeSH D009386, MONDO:0015356.

Allele frequency attached by ClinVar (database versions not stated): TOPMed below 0.00001.

Submissions (4):

Color Diagnostics, LLC DBA Color Health
Classification: Uncertain significance for Hereditary cancer-predisposing syndrome. Last evaluated: 2024-03-06. Review status: criteria provided, single submitter. Criteria: ACMG Guidelines, 2015. Collection method: clinical testing. Allele origin: germline.
Comment: This missense variant replaces leucine with methionine at codon 1113 of the ATM protein. Computational prediction suggests that this variant may not impact protein structure and function (internally defined REVEL score threshold <= 0.5, PMID: 27666373). To our knowledge, functional studies have not been reported for this variant. This variant has not been reported in individuals affected with hereditary cancer in the literature. This variant has not been identified in the general population by the Genome Aggregation Database (gnomAD). The available evidence is insufficient to determine the role of this variant in disease conclusively. Therefore, this variant is classified as a Variant of Uncertain Significance.

Ambry Genetics
Classification: Uncertain significance for Hereditary cancer-predisposing syndrome. Last evaluated: 2024-01-26. Review status: criteria provided, single submitter. Criteria: Ambry Variant Classification Scheme 2023. Collection method: clinical testing. Allele origin: germline.
Comment: The p.L1113M variant (also known as c.3337T>A), located in coding exon 22 of the ATM gene, results from a T to A substitution at nucleotide position 3337. The leucine at codon 1113 is replaced by methionine, an amino acid with highly similar properties. This amino acid position is highly conserved in available vertebrate species. In addition, the in silico prediction for this alteration is inconclusive. Since supporting evidence is limited at this time, the clinical significance of this alteration remains unclear.

Labcorp Genetics (formerly Invitae), Labcorp
Classification: Uncertain significance for Ataxia-telangiectasia syndrome. Last evaluated: 2022-10-13. Review status: criteria provided, single submitter. Criteria: Invitae Variant Classification Sherloc (09022015). Collection method: clinical testing. Allele origin: germline.
Comment: Algorithms developed to predict the effect of missense changes on protein structure and function are either unavailable or do not agree on the potential impact of this missense change (SIFT: "Tolerated"; PolyPhen-2: "Possibly Damaging"; Align-GVGD: "Class C0"). In summary, the available evidence is currently insufficient to determine the role of this variant in disease. Therefore, it has been classified as a Variant of Uncertain Significance. ClinVar contains an entry for this variant (Variation ID: 655317). This sequence change replaces leucine, which is neutral and non-polar, with methionine, which is neutral and non-polar, at codon 1113 of the ATM protein (p.Leu1113Met). This variant is not present in population databases (gnomAD no frequency). This variant has not been reported in the literature in individuals affected with ATM-related conditions.

GeneDx
Classification: Uncertain significance. Last evaluated: 2019-04-19. Review status: criteria provided, single submitter. Criteria: GeneDx Variant Classification Process June 2021. Collection method: clinical testing. Allele origin: germline. Affected: yes.
Comment: Not observed in large population cohorts (Lek et al., 2016); Has not been previously published as pathogenic or benign to our knowledge